The following is an entry in ClinVar:

NM_030662.4(MAP2K2):c.32C>G (p.Ala11Gly)

Genes: MAP2K2 (mitogen-activated protein kinase kinase 2; minus strand), LOC130063193 (ATAC-STARR-seq lymphoblastoid silent region 9881; plus strand). Cytogenetic location: 19p13.3.
Variant type: single nucleotide variant.
Coding change: c.32C>G on transcript NM_030662.4 (MANE Select); coding-DNA position 32, C replaced by G.
Protein change: p.Ala11Gly; replaces alanine 11 with glycine.
Molecular consequence: missense variant.
Genome position (GRCh38, 1-based): chr19:4,123,844, G>C on the plus strand (C>G on the coding strand, the complement: MAP2K2 is on the minus strand). VCF-style: chr19-4123844-G-C. GRCh37 (hg19) VCF-style: chr19-4123841-G-C.
Other names: short protein forms A11G.
Identifiers: ClinVar variation 503542 (VCV000503542.4), dbSNP rs1555699410, ClinGen allele CA403396034.

ClinVar aggregate classification (germline): Uncertain significance (1 of 4 stars; one submission).

Allele frequency attached by ClinVar (database versions not stated): gnomAD exomes below 0.00001.
gnomAD v4.1: 1 of 1,528,846 alleles (0.000065%); no homozygotes.

Submission:

Laboratory for Molecular Medicine, Mass General Brigham Personalized Medicine
Classification: Uncertain significance. Last evaluated: 2018-03-01. Review status: criteria provided, single submitter. Criteria: LMM Criteria. Collection method: clinical testing. Allele origin: germline.
Comment: Disclaimer: This variant has not undergone full assessment. The following are preliminary notes: in Gnomad 19:4123841 G / C-not present, but coverage not ideal; not in ClinVar, HGMD, or Google search; predicted benign, gene not in many animals, but well-conserved in those